The following is an entry in ClinVar:

ClinVar aggregate classification (germline): Uncertain significance (1 of 4 stars; one submission).

gnomAD v4.1: 16 of 1,611,476 alleles (0.00099%); highest among the groups gnomAD compares: Admixed American, 0.0017%; no homozygotes.

Submission:

Women's Health and Genetics/Laboratory Corporation of America, LabCorp
Classification: Uncertain significance. Last evaluated: 2026-05-29. Review status: criteria provided, single submitter. Criteria: LabCorp Variant Classification Summary - May 2015. Collection method: clinical testing. Allele origin: germline.
Comment: Variant summary: ATP8A2 c.2653A>G (p.Lys885Glu) results in a conservative amino acid change in the encoded protein sequence. Algorithms developed to predict the effect of missense changes on protein structure and function are either unavailable or do not agree on the potential impact of this missense change. The variant allele was found at a frequency of 1.2e-05 in 249222 control chromosomes. The available data on variant occurrences in the general population are insufficient to allow any conclusion about variant significance. To our knowledge, no occurrence of c.2653A>G in individuals affected with ATP8A2-related conditions and no experimental evidence demonstrating its impact on protein function have been reported. No submitters have cited clinical-significance assessments for this variant to ClinVar. Based on the evidence outlined above, the variant was classified as uncertain significance.

NM_016529.6(ATP8A2):c.2653A>G (p.Lys885Glu)

Gene: ATP8A2 (ATPase phospholipid transporting 8A2). Cytogenetic location: 13q12.13.
Variant type: single nucleotide variant.
Coding change: c.2653A>G on transcript NM_016529.6 (MANE Select); coding-DNA position 2653, A replaced by G.
Protein change: p.Lys885Glu; replaces lysine 885 with glutamic acid.
Molecular consequence: missense variant.
Genome position (GRCh38, 1-based): chr13:25,774,933, A>G. VCF-style: chr13-25774933-A-G. GRCh37 (hg19) VCF-style: chr13-26349071-A-G.
Other names: c.2533A>G, p.Lys845Glu (NM_001313741.1); c.2653A>G, p.Lys885Glu (NM_001411005.1, NM_001411006.1); short protein forms K845E, K885E.
Identifiers: ClinVar variation 4853070 (VCV004853070.1).